The following is an entry in ClinVar:

NM_000722.4(CACNA2D1):c.482A>G (p.Tyr161Cys)

Gene: CACNA2D1 (calcium voltage-gated channel auxiliary subunit alpha2delta 1; minus strand). Cytogenetic location: 7q21.11.
Variant type: single nucleotide variant.
Coding change: c.482A>G on transcript NM_000722.4 (MANE Select); coding-DNA position 482, A replaced by G.
Protein change: p.Tyr161Cys; replaces tyrosine 161 with cysteine.
Molecular consequence: missense variant.
Genome position (GRCh38, 1-based): chr7:82,117,088, T>C on the plus strand (A>G on the coding strand, the complement: CACNA2D1 is on the minus strand). VCF-style: chr7-82117088-T-C. GRCh37 (hg19) VCF-style: chr7-81746404-T-C.
Other names: c.482A>G, p.Tyr161Cys (NM_001302890.2, NM_001366867.1); short protein forms Y161C.
Identifiers: ClinVar variation 1495921 (VCV001495921.6), dbSNP rs752496490, ClinGen allele CA368017048.

ClinVar aggregate classification (germline): Uncertain significance (1 of 4 stars; one submission).

Conditions:
Brugada syndrome. Also called: Sudden unexpected nocturnal death syndrome; Sudden unexplained nocturnal death syndrome; Sudden Unexplained Death Syndrome; Sudden Unexplained Nocturnal Death Syndrome (SUNDS). Identifiers: Orphanet 130, MedGen C1142166, MONDO:0015263.

Submission:

Labcorp Genetics (formerly Invitae), Labcorp
Classification: Uncertain significance for Brugada syndrome. Last evaluated: 2021-11-26. Review status: criteria provided, single submitter. Criteria: Invitae Variant Classification Sherloc (09022015). Collection method: clinical testing. Allele origin: germline.
Comment: In summary, the available evidence is currently insufficient to determine the role of this variant in disease. Therefore, it has been classified as a Variant of Uncertain Significance. Algorithms developed to predict the effect of missense changes on protein structure and function are either unavailable or do not agree on the potential impact of this missense change (SIFT: "Tolerated"; PolyPhen-2: "Probably Damaging"; Align-GVGD: "Class C0"). This variant has not been reported in the literature in individuals affected with CACNA2D1-related conditions. This variant is not present in population databases (gnomAD no frequency). This sequence change replaces tyrosine, which is neutral and polar, with cysteine, which is neutral and slightly polar, at codon 161 of the CACNA2D1 protein (p.Tyr161Cys).